The following is an entry in ClinVar:

NM_152618.3(BBS12):c.977C>A (p.Thr326Asn)

Gene: BBS12 (Bardet-Biedl syndrome 12; plus strand). Cytogenetic location: 4q27.
Variant type: single nucleotide variant.
Coding change: c.977C>A on transcript NM_152618.3 (MANE Select); coding-DNA position 977, C replaced by A.
Protein change: p.Thr326Asn; replaces threonine 326 with asparagine.
Molecular consequence: missense variant.
Genome position (GRCh38, 1-based): chr4:122,742,869, C>A. VCF-style: chr4-122742869-C-A. GRCh37 (hg19) VCF-style: chr4-123664024-C-A.
Other names: c.977C>A, p.Thr326Asn (NM_001178007.2); short protein forms T326N.
Identifiers: ClinVar variation 4992989 (VCV004992989.1).

ClinVar aggregate classification (germline): Uncertain significance (1 of 4 stars; one submission).

Conditions:
BBS12-related disorder. Also called: BBS12-related condition.

Submission:

PreventionGenetics, part of Exact Sciences
Classification: Uncertain significance for BBS12-related condition. Last evaluated: 2025-12-16. Review status: criteria provided, single submitter. Criteria: ACMG Guidelines, 2015. Collection method: clinical testing. Allele origin: germline.
Comment: The BBS12 c.977C>A variant is predicted to result in the amino acid substitution p.Thr326Asn. To our knowledge, this variant has not been reported in the literature or in a large population database (gnomAD), indicating this variant is rare. At this time, the clinical significance of this variant is uncertain due to the absence of conclusive functional and genetic evidence.